The following is an entry in ClinVar:

ClinVar aggregate classification (germline): Conflicting classifications of pathogenicity. Review status: criteria provided, conflicting classifications (1 of 4 stars). 4 submissions from 4 submitters: Uncertain significance (1); Benign (2). 1 of the submissions does not count toward it. Last evaluated 2026-01-26.

Conditions:
Inborn genetic diseases. Identifiers: MedGen C0950123, MeSH D030342.
Methylmalonic acidemia with homocystinuria, type cblX (MAHCX). Also called: INTELLECTUAL DEVELOPMENTAL DISORDER, X-LINKED 3. Identifiers: Orphanet 369962, MedGen C0796208, MONDO:0010657, OMIM 309541.

Allele frequency attached by ClinVar (database versions not stated): gnomAD 0.00010 and 0.00014; gnomAD exomes 0.00010 and 0.00042; TOPMed 0.00031; ExAC 0.00041; 1000 Genomes Project 30x 0.00062; 1000 Genomes Project 0.00079.
gnomAD v4.1: 129 of 1,209,841 alleles (0.011%); highest among the groups gnomAD compares: East Asian, 0.36%; no homozygotes.

Submissions (4):

Labcorp Genetics (formerly Invitae), Labcorp
Classification: Benign for Methylmalonic acidemia with homocystinuria, type cblX. Last evaluated: 2026-01-26. Review status: criteria provided, single submitter. Criteria: Invitae Variant Classification Sherloc (09022015). Collection method: clinical testing. Allele origin: germline.

Genetic Services Laboratory, University of Chicago
Classification: Benign. Last evaluated: 2018-04-17. Review status: criteria provided, single submitter. Criteria: ACMG Guidelines, 2015. Collection method: clinical testing. Allele origin: germline. Affected: no.

Ambry Genetics
Classification: Uncertain significance for Inborn genetic diseases. Last evaluated: 2014-03-24. Review status: criteria provided, single submitter. Criteria: Ambry Autosomal Dominant and X-Linked criteria (10/2015). Collection method: clinical testing. Allele origin: germline. Observed: 1 variant allele.
Comment: There is insufficient or conflicting evidence for classification of this alteration.

Medical Genetic Institute of Henan Province, Henan Provincial People’s Hospital
Classification: Uncertain significance for Mental retardation, X-linked 3. Review status: no assertion criteria provided. Collection method: case-control. Allele origin: maternal. Not counted in ClinVar's aggregate classification.

NM_005334.3(HCFC1):c.3356C>T (p.Thr1119Ile)

Gene: HCFC1 (host cell factor C1; minus strand). Cytogenetic location: Xq28.
Variant type: single nucleotide variant.
Coding change: c.3356C>T on transcript NM_005334.3 (MANE Select); coding-DNA position 3356, C replaced by T.
Protein change: p.Thr1119Ile; replaces threonine 1119 with isoleucine.
Molecular consequence: missense variant.
Genome position (GRCh38, 1-based): chrX:153,955,043, G>A on the plus strand (C>T on the coding strand, the complement: HCFC1 is on the minus strand). VCF-style: chrX-153955043-G-A. GRCh37 (hg19) VCF-style: chrX-153220494-G-A.
Other names: short protein forms T1119I.
Identifiers: ClinVar variation 208779 (VCV000208779.15), dbSNP rs782727601, ClinGen allele CA204892.
Genomic context (GRCh38, chrX:153,955,043, plus strand): 5'-CAGGCCCGACGGGCATCTCGCTGGTGGTTGGCGCCGACGCTCGACATGGCTGTAGTGGCA[G>A]TGTTGGTGGTGCCCGTCTCGTGGGTCTCGCAGGGTGGGTTTGAGCAGCCATGCTGCCCGG-3'
Protein context (NP_005325.2, residues 1109-1129): CETHETGTTN[Thr1119Ile]ATTAMSSVGA